The following is an entry in ClinVar:

NM_001035.3(RYR2):c.94C>G (p.Gln32Glu)

Gene: RYR2 (ryanodine receptor 2; plus strand). Cytogenetic location: 1q43.
Variant type: single nucleotide variant.
Coding change: c.94C>G on transcript NM_001035.3 (MANE Select); coding-DNA position 94, C replaced by G.
Protein change: p.Gln32Glu; replaces glutamine 32 with glutamic acid.
Molecular consequence: missense variant.
Genome position (GRCh38, 1-based): chr1:237,270,542, C>G. VCF-style: chr1-237270542-C-G. GRCh37 (hg19) VCF-style: chr1-237433842-C-G.
Other names: c.94C>G (NM_001035.2); short protein forms Q32E.
Identifiers: ClinVar variation 3633777 (VCV003633777.3).

ClinVar aggregate classification (germline): Uncertain significance. Review status: criteria provided, multiple submitters, no conflicts (2 of 4 stars). 2 submissions from 2 submitters: Uncertain significance (2). Last evaluated 2025-04-09.

Conditions:
Cardiovascular phenotype. Identifiers: MedGen CN230736.
Catecholaminergic polymorphic ventricular tachycardia 1. Also called: VENTRICULAR TACHYCARDIA, CATECHOLAMINERGIC POLYMORPHIC, 1, WITH OR WITHOUT ATRIAL DYSFUNCTION AND/OR DILATED CARDIOMYOPATHY; RYR2-Related Catecholaminergic Polymorphic Ventricular Tachycardia; VENTRICULAR TACHYCARDIA, STRESS-INDUCED POLYMORPHIC 1. Identifiers: Orphanet 3286, MedGen C1631597, MONDO:0011484, OMIM 604772.

Submissions (2):

Molecular Diagnostic Laboratory for Inherited Cardiovascular Disease, Montreal Heart Institute
Classification: Uncertain significance for Cardiovascular phenotype. Last evaluated: 2025-04-09. Review status: criteria provided, single submitter. Criteria: ACMG Guidelines, 2015. Collection method: clinical testing. Allele origin: germline. Affected: yes.

Labcorp Genetics (formerly Invitae), Labcorp
Classification: Uncertain significance for Catecholaminergic polymorphic ventricular tachycardia 1. Last evaluated: 2024-06-08. Review status: criteria provided, single submitter. Criteria: Invitae Variant Classification Sherloc (09022015). Collection method: clinical testing. Allele origin: germline.
Comment: This sequence change replaces glutamine, which is neutral and polar, with glutamic acid, which is acidic and polar, at codon 32 of the RYR2 protein (p.Gln32Glu). This variant is not present in population databases (gnomAD no frequency). This variant has not been reported in the literature in individuals affected with RYR2-related conditions. Advanced modeling of protein sequence and biophysical properties (such as structural, functional, and spatial information, amino acid conservation, physicochemical variation, residue mobility, and thermodynamic stability) has been performed at Invitae for this missense variant, however the output from this modeling did not meet the statistical confidence thresholds required to predict the impact of this variant on RYR2 protein function. In summary, the available evidence is currently insufficient to determine the role of this variant in disease. Therefore, it has been classified as a Variant of Uncertain Significance.